The following is an entry in ClinVar:

ClinVar aggregate classification (germline): Likely benign. Review status: criteria provided, multiple submitters, no conflicts (2 of 4 stars). 2 submissions from 2 submitters: Likely benign (2). Last evaluated 2025-02-15.

Conditions:
Megaconial type congenital muscular dystrophy (MDCMC). Also called: CHKB-Related Muscular Dystrophy; CHKB-Related Muscle Diseases; MUSCULAR DYSTROPHY, CONGENITAL, WITH MITOCHONDRIAL STRUCTURAL ABNORMALITIES. Identifiers: Orphanet 280671, MedGen C1865233, MONDO:0011246, OMIM 602541.

Allele frequency attached by ClinVar (database versions not stated): gnomAD exomes below 0.00001; TOPMed below 0.00001; ExAC 0.00001; gnomAD 0.00001; ESP Exome Variant Server 0.00008.
gnomAD v4.1: 5 of 1,613,688 alleles (0.00031%); highest among the groups gnomAD compares: Non-Finnish European, 0.00034%; no homozygotes.

Submissions (2):

Labcorp Genetics (formerly Invitae), Labcorp
Classification: Likely benign for Megaconial type congenital muscular dystrophy. Last evaluated: 2025-02-15. Review status: criteria provided, single submitter. Criteria: Invitae Variant Classification Sherloc (09022015). Collection method: clinical testing. Allele origin: germline.

GeneDx
Classification: Likely benign. Last evaluated: 2016-02-16. Review status: criteria provided, single submitter. Criteria: GeneDx Variant Classification (06012015). Collection method: clinical testing. Allele origin: germline. Affected: yes.
Comment: This variant is considered likely benign or benign based on one or more of the following criteria: it is a conservative change, it occurs at a poorly conserved position in the protein, it is predicted to be benign by multiple in silico algorithms, and/or has population frequency not consistent with disease.

NM_005198.5(CHKB):c.354A>G (p.Leu118=)

Genes: CHKB-CPT1B (CHKB-CPT1B readthrough (NMD candidate); minus strand), CHKB (choline kinase beta; minus strand). Cytogenetic location: 22q13.33.
Variant type: single nucleotide variant.
Coding change: c.354A>G on transcript NM_005198.5 (MANE Select); coding-DNA position 354, A replaced by G.
Protein change: p.Leu118=; no amino-acid change (leucine 118 retained).
Molecular consequence: synonymous variant. On other transcripts: non-coding transcript variant (1).
Genome position (GRCh38, 1-based): chr22:50,581,842, T>C on the plus strand (A>G on the coding strand, the complement: CHKB is on the minus strand). VCF-style: chr22-50581842-T-C. GRCh37 (hg19) VCF-style: chr22-51020271-T-C.
Identifiers: ClinVar variation 383112 (VCV000383112.8), dbSNP rs142607228, ClinGen allele CA10323800.
Genomic context (GRCh38, chr22:50,581,842, plus strand): 5'-GACTCCGTACAGCTGGGGCCCCAGCGACCGCTCCGCAAGTATGGCGAACATCACGCTTTC[T>C]AGCACCAGGGAGTCCACGCCCTGAAAAAGGATGGACAGCAAAGGGGCCAAGGCAAAGTGG-3'
Protein context (NP_005189.2, residues 108-128): AILQGVDSLV[Leu118=]ESVMFAILAE